The following is an entry in ClinVar:

ClinVar aggregate classification (germline): Uncertain significance. Review status: criteria provided, multiple submitters, no conflicts (2 of 4 stars). 4 submissions from 4 submitters: Uncertain significance (4). Last evaluated 2024-05-14.

Conditions:
Hereditary cancer-predisposing syndrome. Also called: Tumor predisposition; Neoplastic Syndromes, Hereditary; Hereditary Cancer Syndrome; Hereditary neoplastic syndrome. Identifiers: Orphanet 140162, MedGen C0027672, MeSH D009386, MONDO:0015356.
Fanconi anemia complementation group O. Also called: RAD51C-Related Fanconi Anemia. Identifiers: Orphanet 84, MedGen C3150653, MONDO:0013248, OMIM 613390.
Breast-ovarian cancer, familial, susceptibility to, 3. Also called: RAD51C-Related Breast/Ovarian Cancer. Identifiers: Orphanet 145, MedGen C3150659, MONDO:0013253, OMIM 613399.

Allele frequency attached by ClinVar (database versions not stated): gnomAD exomes below 0.00001.
gnomAD v4.1: 2 of 1,614,132 alleles (0.00012%); highest among the groups gnomAD compares: Middle Eastern, 0.016%; no homozygotes.

Submissions (4):

KCCC/NGS Laboratory, Kuwait Cancer Control Center
Classification: Uncertain significance for Breast-ovarian cancer, familial, susceptibility to, 3. Last evaluated: 2024-05-14. Review status: criteria provided, single submitter. Criteria: ACMG Guidelines, 2015. Collection method: clinical testing. Allele origin: germline. Inheritance: Autosomal dominant inheritance. Affected: yes. Observed: 1 heterozygote.
Comment: This sequence change replaces leucine, which is neutral and non-polar, with phenylalanine, which is neutral and non-polar, at codon 172 of the RAD51C protein (p.Leu172Phe).This aminoacid is mild conservative (PhyloP=2.21). This variant is not present in population databases (gnomAD no frequency). This variant has not been reported in the literature in individuals affected with RAD51C-related conditions. ClinVar contains an entry for this variant (Variation ID: 471444). in silico predictions of the variant's effect on protein function are inconclusive. In summary, the available evidence is currently insufficient to determine the role of this variant in disease. Therefore, it has been classified as a Variant of Uncertain Significance.

Labcorp Genetics (formerly Invitae), Labcorp
Classification: Uncertain significance for Fanconi anemia complementation group O. Last evaluated: 2023-12-10. Review status: criteria provided, single submitter. Criteria: Invitae Variant Classification Sherloc (09022015). Collection method: clinical testing. Allele origin: germline.
Comment: This sequence change replaces leucine, which is neutral and non-polar, with phenylalanine, which is neutral and non-polar, at codon 172 of the RAD51C protein (p.Leu172Phe). This variant is not present in population databases (gnomAD no frequency). This variant has not been reported in the literature in individuals affected with RAD51C-related conditions. ClinVar contains an entry for this variant (Variation ID: 471444). Advanced modeling of protein sequence and biophysical properties (such as structural, functional, and spatial information, amino acid conservation, physicochemical variation, residue mobility, and thermodynamic stability) performed at Invitae indicates that this missense variant is not expected to disrupt RAD51C protein function with a negative predictive value of 80%. In summary, the available evidence is currently insufficient to determine the role of this variant in disease. Therefore, it has been classified as a Variant of Uncertain Significance.

Sema4
Classification: Uncertain significance for Hereditary cancer-predisposing syndrome. Last evaluated: 2021-12-09. Review status: criteria provided, single submitter. Criteria: Sema4 Curation Guidelines. Collection method: curation. Allele origin: germline.
Comment: The RAD51C c.514C>T (p.L172F) variant has not been reported in the literature to our knowledge. It was not observed in the large and broad cohorts of the Genome Aggregation Database (PMID: 32461654). The variant has been reported in ClinVar (Variation ID: 471444). Functional studies have not been performed, and in silico predictions of the variant's effect on protein function are inconclusive. The evidence is insufficient to meet ACMG/AMP criteria for classifying the variant as benign or pathogenic. Thus, the clinical significance of this variant is currently uncertain.

Ambry Genetics
Classification: Uncertain significance for Hereditary cancer-predisposing syndrome. Last evaluated: 2020-01-15. Review status: criteria provided, single submitter. Criteria: Ambry Variant Classification Scheme 2023. Collection method: clinical testing. Allele origin: germline.

NM_058216.3(RAD51C):c.514C>T (p.Leu172Phe)

Gene: RAD51C (RAD51 paralog C; plus strand). Cytogenetic location: 17q22.
Variant type: single nucleotide variant.
Coding change: c.514C>T on transcript NM_058216.3 (MANE Select); coding-DNA position 514, C replaced by T.
Protein change: p.Leu172Phe; replaces leucine 172 with phenylalanine.
Molecular consequence: missense variant.
Genome position (GRCh38, 1-based): chr17:58,696,802, C>T. VCF-style: chr17-58696802-C-T. GRCh37 (hg19) VCF-style: chr17-56774163-C-T.
Other names: short protein forms L172F.
Identifiers: ClinVar variation 471444 (VCV000471444.12), dbSNP rs876660732, ClinGen allele CA292050484.